The following is an entry in ClinVar:

NM_001253697.2(ERBIN):c.2533G>T (p.Val845Phe)

Gene: ERBIN (erbb2 interacting protein; plus strand). Cytogenetic location: 5q12.3.
Variant type: single nucleotide variant.
Coding change: c.2533G>T on transcript NM_001253697.2 (MANE Select); coding-DNA position 2533, G replaced by T.
Protein change: p.Val845Phe; replaces valine 845 with phenylalanine.
Molecular consequence: missense variant.
Genome position (GRCh38, 1-based): chr5:66,053,851, G>T. VCF-style: chr5-66053851-G-T. GRCh37 (hg19) VCF-style: chr5-65349679-G-T.
Other names: c.2533G>T, p.Val845Phe (NM_001006600.3, NM_001253698.2, NM_001253699.2 and 1 more transcripts); c.2521G>T, p.Val841Phe (NM_001253701.2); short protein forms V845F, V841F.
Identifiers: ClinVar variation 1932587 (VCV001932587.5), dbSNP rs971082479, ClinGen allele CA359867079.
Genomic context (GRCh38, chr5:66,053,851, plus strand): 5'-CATTCTGAGGAAACTTCCCAGTCTCCTAATAGGACTGAACCACATGACAGTGATTGTTCT[G>T]TTGACTTAGGTATTTCCAAAAGCACTGAAGATCTCTCCCCTCAGAAAAGTGGTCCAGTTG-3'
Protein context (NP_001240626.1, residues 835-855): RTEPHDSDCS[Val845Phe]DLGISKSTED

ClinVar aggregate classification (germline): Uncertain significance (1 of 4 stars; one submission).

Submission:

Labcorp Genetics (formerly Invitae), Labcorp
Classification: Uncertain significance. Last evaluated: 2025-07-21. Review status: criteria provided, single submitter. Criteria: Invitae Variant Classification Sherloc (09022015). Collection method: clinical testing. Allele origin: germline.
Comment: This sequence change replaces valine, which is neutral and non-polar, with phenylalanine, which is neutral and non-polar, at codon 845 of the ERBIN protein (p.Val845Phe). This variant is not present in population databases (gnomAD no frequency). This variant has not been reported in the literature in individuals affected with ERBIN-related conditions. ClinVar contains an entry for this variant (Variation ID: 1932587). An algorithm developed to predict the effect of missense changes on protein structure and function (PolyPhen-2) suggests that this variant is likely to be tolerated. Algorithms developed to predict the effect of sequence changes on RNA splicing suggest that this variant may create or strengthen a splice site. In summary, the available evidence is currently insufficient to determine the role of this variant in disease. Therefore, it has been classified as a Variant of Uncertain Significance.